The following is an entry in ClinVar:

ClinVar aggregate classification (germline): Likely benign (1 of 4 stars; one submission).

Allele frequency attached by ClinVar (database versions not stated): 1000 Genomes Project 30x 0.00031; 1000 Genomes Project 0.00040; ESP Exome Variant Server 0.00207.

Submission:

CeGaT Center for Human Genetics Tuebingen
Classification: Likely benign. Last evaluated: 2023-05-01. Review status: criteria provided, single submitter. Criteria: CeGaT Center For Human Genetics Tuebingen Variant Classification Criteria Version 2. Collection method: clinical testing. Allele origin: germline. Affected: yes. Observed: 2 variant alleles.
Comment: USP17L2: BP4, BP7

NM_201402.3(USP17L2):c.1087C>T (p.Leu363=)

Genes: FAM66D (family with sequence similarity 66 member D), USP17L2 (ubiquitin specific peptidase 17 like family member 2; minus strand). Cytogenetic location: 8p23.1.
Variant type: single nucleotide variant.
Coding change: c.1087C>T on transcript NM_201402.3 (MANE Select); coding-DNA position 1087, C replaced by T.
Protein change: p.Leu363=; no amino-acid change (leucine 363 retained).
Molecular consequence: synonymous variant.
Genome position (GRCh38, 1-based): chr8:12,137,674, G>A on the plus strand (C>T on the coding strand, the complement: USP17L2 is on the minus strand). VCF-style: chr8-12137674-G-A. GRCh37 (hg19) VCF-style: chr8-11995183-G-A.
Identifiers: ClinVar variation 2658424 (VCV002658424.24), dbSNP rs201947742, ClinGen allele CA4634939.